The following is an entry in ClinVar:

NM_001035.3(RYR2):c.4846G>A (p.Gly1616Ser)

Gene: RYR2 (ryanodine receptor 2; plus strand). Cytogenetic location: 1q43.
Variant type: single nucleotide variant.
Coding change: c.4846G>A on transcript NM_001035.3 (MANE Select); coding-DNA position 4846, G replaced by A.
Protein change: p.Gly1616Ser; replaces glycine 1616 with serine.
Molecular consequence: missense variant.
Genome position (GRCh38, 1-based): chr1:237,610,924, G>A. VCF-style: chr1-237610924-G-A. GRCh37 (hg19) VCF-style: chr1-237774224-G-A.
Other names: short protein forms G1616S.
Identifiers: ClinVar variation 1331946 (VCV001331946.7), dbSNP rs1414022182, ClinGen allele CA345402753.

ClinVar aggregate classification (germline): Uncertain significance. Review status: criteria provided, multiple submitters, no conflicts (2 of 4 stars). 4 submissions from 4 submitters: Uncertain significance (4). Last evaluated 2025-08-13.

Conditions:
Cardiomyopathy (CMYO). Also called: Cardiomyopathies. Identifiers: Orphanet 167848, MedGen C0878544, MONDO:0004994, HP:0001638. Inheritance: Various modes of inheritance.
Catecholaminergic polymorphic ventricular tachycardia 1. Also called: VENTRICULAR TACHYCARDIA, CATECHOLAMINERGIC POLYMORPHIC, 1, WITH OR WITHOUT ATRIAL DYSFUNCTION AND/OR DILATED CARDIOMYOPATHY; VENTRICULAR TACHYCARDIA, STRESS-INDUCED POLYMORPHIC 1; RYR2-Related Catecholaminergic Polymorphic Ventricular Tachycardia. Identifiers: Orphanet 3286, MedGen C1631597, MONDO:0011484, OMIM 604772.
Catecholaminergic polymorphic ventricular tachycardia (CVPT). Also called: Catecholamine-induced polymorphic ventricular tachycardia. Identifiers: Orphanet 3286, MedGen C5574922, MONDO:0017990.

Allele frequency attached by ClinVar (database versions not stated): TOPMed below 0.00001; gnomAD 0.00001.
gnomAD v4.1: 1 of 1,613,428 alleles (0.000062%); highest among the groups gnomAD compares: Non-Finnish European, 0.000085%; no homozygotes.

Submissions (4):

Labcorp Genetics (formerly Invitae), Labcorp
Classification: Uncertain significance for Catecholaminergic polymorphic ventricular tachycardia 1. Last evaluated: 2025-08-13. Review status: criteria provided, single submitter. Criteria: Invitae Variant Classification Sherloc (09022015). Collection method: clinical testing. Allele origin: germline.
Comment: This sequence change replaces glycine, which is neutral and non-polar, with serine, which is neutral and polar, at codon 1616 of the RYR2 protein (p.Gly1616Ser). This variant is not present in population databases (gnomAD no frequency). This variant has not been reported in the literature in individuals affected with RYR2-related conditions. ClinVar contains an entry for this variant (Variation ID: 1331946). Invitae Evidence Modeling of protein sequence and biophysical properties (such as structural, functional, and spatial information, amino acid conservation, physicochemical variation, residue mobility, and thermodynamic stability) indicates that this missense variant is expected to disrupt RYR2 protein function with a positive predictive value of 95%. In summary, the available evidence is currently insufficient to determine the role of this variant in disease. Therefore, it has been classified as a Variant of Uncertain Significance.

All of Us Research Program, National Institutes of Health
Classification: Uncertain significance for Catecholaminergic polymorphic ventricular tachycardia. Last evaluated: 2024-03-25. Review status: criteria provided, single submitter. Criteria: ACMG Guidelines, 2015. Collection method: clinical testing. Allele origin: germline. Inheritance: Autosomal dominant inheritance. Observed: 1 variant allele, 1 heterozygote.
Comment: This missense variant replaces glycine with serine at codon 1616 of the RYR2 protein. Computational prediction suggests that this variant may have deleterious impact on protein structure and function (internally defined REVEL score threshold >= 0.7, PMID: 27666373). To our knowledge, functional studies have not been reported for this variant. This variant has not been reported in individuals affected with cardiovascular disorders in the literature. This variant has not been identified in the general population by the Genome Aggregation Database (gnomAD). The available evidence is insufficient to determine the role of this variant in disease conclusively. Therefore, this variant is classified as a Variant of Uncertain Significance.

This study involves interpretation of variants in research participants for the purpose of population health screening. Participant phenotype was not available at the time of variant classification. Additional details can be found in publication PMID: 35346344, PMCID: PMC8962531

Color Diagnostics, LLC DBA Color Health
Classification: Uncertain significance for Cardiomyopathy. Last evaluated: 2024-03-07. Review status: criteria provided, single submitter. Criteria: ACMG Guidelines, 2015. Collection method: clinical testing. Allele origin: germline.
Comment: This missense variant replaces glycine with serine at codon 1616 of the RYR2 protein. Computational prediction suggests that this variant may have deleterious impact on protein structure and function (internally defined REVEL score threshold >= 0.7, PMID: 27666373). To our knowledge, functional studies have not been reported for this variant. This variant has not been reported in individuals affected with cardiovascular disorders in the literature. This variant has not been identified in the general population by the Genome Aggregation Database (gnomAD). The available evidence is insufficient to determine the role of this variant in disease conclusively. Therefore, this variant is classified as a Variant of Uncertain Significance.

AiLife Diagnostics
Classification: Uncertain significance. Last evaluated: 2021-08-25. Review status: criteria provided, single submitter. Criteria: ACMG Guidelines, 2015. Collection method: clinical testing. Allele origin: germline. Affected: yes. Observed: 1 variant allele.